The following is an entry in ClinVar:

ClinVar aggregate classification (germline): Pathogenic (1 of 4 stars; one submission).

Submission:

GeneDx
Classification: Pathogenic. Last evaluated: 2019-10-23. Review status: criteria provided, single submitter. Criteria: GeneDx Variant Classification Process June 2021. Collection method: clinical testing. Allele origin: germline. Affected: yes.
Comment: Nonsense variant predicted to result in protein truncation or nonsense mediated decay in a gene for which loss-of-function is a known mechanism of disease; No data available from control populations to assess the frequency of this variant; This variant is associated with the following publications: (PMID: 18350553, 24339369, 11590134)

NM_001099857.5(IKBKG):c.723C>G (p.Tyr241Ter)

Gene: IKBKG (inhibitor of nuclear factor kappa B kinase regulatory subunit gamma; plus strand). Cytogenetic location: Xq28.
Variant type: single nucleotide variant.
Coding change: c.723C>G on transcript NM_001099857.5 (MANE Select); coding-DNA position 723, C replaced by G.
Protein change: p.Tyr241Ter; replaces tyrosine 241 with a stop codon.
Molecular consequence: nonsense. On other transcripts: non-coding transcript variant (1), intron variant (1).
Genome position (GRCh38, 1-based): chrX:154,561,739, C>G. VCF-style: chrX-154561739-C-G. GRCh37 (hg19) VCF-style: chrX-153789954-C-G.
Other names: c.927C>G, p.Tyr309Ter (NM_001099856.6); c.570C>G, p.Tyr190Ter (NM_001145255.4); c.723C>G, p.Tyr241Ter (NM_001321396.3, NM_001377312.1, NM_003639.4); c.720C>G, p.Tyr240Ter (NM_001321397.3, NM_001377313.1); c.567C>G, p.Tyr189Ter (NM_001377314.1); c.400-1071C>G (NM_001377315.1); short protein forms Y241*, Y309*, Y190*, Y240*, Y189*.
Identifiers: ClinVar variation 431997 (VCV000431997.4), dbSNP rs1557236565, ClinGen allele CA415215445.